The following is an entry in ClinVar:

NM_000540.3(RYR1):c.973G>A (p.Ala325Thr)

Gene: RYR1 (ryanodine receptor 1; plus strand). Cytogenetic location: 19q13.2.
Variant type: single nucleotide variant.
Coding change: c.973G>A on transcript NM_000540.3 (MANE Select); coding-DNA position 973, G replaced by A.
Protein change: p.Ala325Thr; replaces alanine 325 with threonine.
Molecular consequence: missense variant.
Genome position (GRCh38, 1-based): chr19:38,448,664, G>A. VCF-style: chr19-38448664-G-A. GRCh37 (hg19) VCF-style: chr19-38939304-G-A.
Other names: c.973G>A, p.Ala325Thr (NM_001042723.2); short protein forms A325T.
Identifiers: ClinVar variation 3387634 (VCV003387634.1).
Genomic context (GRCh38, chr19:38,448,664, plus strand): 5'-AACACACAGGCAGAGGAGGCTGACCTGTGTCCCCTGCCCCTGTAGGAGAAGCTGGATGTG[G>A]CCCCCAAGCGGGATGTGGAGGGCATGGGCCCCCCTGAGATCAAGTACGGGGAGTCACTGT-3'
Protein context (NP_000531.2, residues 315-335): FRISKEKLDV[Ala325Thr]PKRDVEGMGP

ClinVar aggregate classification (germline): Uncertain significance (1 of 4 stars; one submission).

Conditions:
Malignant hyperthermia, susceptibility to, 1 (MHS1). Also called: Anesthesia related hyperthermia; Malignant hyperpyrexia; Fulminating hyperpyrexia; Pharmacogenic myopathy; RYR1-Related Malignant Hyperthermia Susceptibility; Malignant hyperthermia suceptibility 1. Identifiers: Orphanet 423, MedGen C2930980, MONDO:0007783, OMIM 145600.

Submission:

All of Us Research Program, National Institutes of Health
Classification: Uncertain significance for Malignant hyperthermia, susceptibility to, 1. Last evaluated: 2024-06-09. Review status: criteria provided, single submitter. Criteria: ACMG Guidelines, 2015. Collection method: clinical testing. Allele origin: germline. Inheritance: Autosomal dominant inheritance. Observed: 1 variant allele, 1 heterozygote.
Comment: This missense variant replaces alanine with threonine at codon 325 of the RYR1 protein. Computational prediction suggests that this variant may not impact protein structure and function. To our knowledge, functional studies have not been reported for this variant. This variant has not been reported in individuals affected with RYR1-related disorders in the literature. This variant has not been identified in the general population by the Genome Aggregation Database (gnomAD). The available evidence is insufficient to determine the role of this variant in disease conclusively. Therefore, this variant is classified as a Variant of Uncertain Significance.

This study involves interpretation of variants in research participants for the purpose of population health screening. Participant phenotype was not available at the time of variant classification. Additional details can be found in publication PMID: 35346344, PMCID: PMC8962531